The following is an entry in ClinVar:

NM_000719.7(CACNA1C):c.4594A>C (p.Lys1532Gln)

Gene: CACNA1C (calcium voltage-gated channel subunit alpha1 C; plus strand). Cytogenetic location: 12p13.33.
Variant type: single nucleotide variant.
Coding change: c.4594A>C on transcript NM_000719.7 (MANE Select); coding-DNA position 4594, A replaced by C.
Protein change: p.Lys1532Gln; replaces lysine 1532 with glutamine.
Molecular consequence: missense variant.
Genome position (GRCh38, 1-based): chr12:2,666,753, A>C. VCF-style: chr12-2666753-A-C. GRCh37 (hg19) VCF-style: chr12-2775919-A-C.
Other names: c.4738A>C, p.Lys1580Gln (NM_001129827.2, NM_199460.4); c.4660A>C, p.Lys1554Gln (NM_001129829.2); c.4594A>C, p.Lys1532Gln (NM_001129830.3, NM_001129833.2, NM_001129834.2 and 7 more transcripts); c.4678A>C, p.Lys1560Gln (NM_001129831.2); c.4654A>C, p.Lys1552Gln (NM_001129832.2); c.4645A>C, p.Lys1549Gln (NM_001129836.2); c.4561A>C, p.Lys1521Gln (NM_001129837.2, NM_001129838.2, NM_001129846.2 and 1 more transcripts); c.4555A>C, p.Lys1519Gln (NM_001129839.2); and 1 more; short protein forms K1519Q, K1521Q, K1532Q, K1560Q, K1549Q, K1580Q, K1529Q, K1552Q.
Identifiers: ClinVar variation 4745787 (VCV004745787.1).

ClinVar aggregate classification (germline): Uncertain significance (1 of 4 stars; one submission).

Conditions:
Long QT syndrome (LQTS). Identifiers: MedGen C0023976, MeSH D008133, MONDO:0002442. Disease mechanism: loss of function. Inheritance: Various modes of inheritance.

Submission:

Labcorp Genetics (formerly Invitae), Labcorp
Classification: Uncertain significance for Long QT syndrome. Last evaluated: 2026-02-03. Review status: criteria provided, single submitter. Criteria: Invitae Variant Classification Sherloc (09022015). Collection method: clinical testing. Allele origin: germline.
Comment: This sequence change replaces lysine, which is basic and polar, with glutamine, which is neutral and polar, at codon 1532 of the CACNA1C protein (p.Lys1532Gln). This variant is not present in population databases (gnomAD no frequency). This variant has not been reported in the literature in individuals affected with CACNA1C-related conditions. Invitae Evidence Modeling of protein sequence and biophysical properties (such as structural, functional, and spatial information, amino acid conservation, physicochemical variation, residue mobility, and thermodynamic stability) indicates that this missense variant is expected to disrupt CACNA1C protein function with a positive predictive value of 95%. In summary, the available evidence is currently insufficient to determine the role of this variant in disease. Therefore, it has been classified as a Variant of Uncertain Significance.